The following is an entry in ClinVar:

NM_000321.3(RB1):c.1774C>T (p.Leu592Phe)

Gene: RB1 (RB transcriptional corepressor 1; plus strand). Cytogenetic location: 13q14.2.
Variant type: single nucleotide variant.
Coding change: c.1774C>T on transcript NM_000321.3 (MANE Select); coding-DNA position 1774, C replaced by T.
Protein change: p.Leu592Phe; replaces leucine 592 with phenylalanine.
Molecular consequence: missense variant.
Genome position (GRCh38, 1-based): chr13:48,453,071, C>T. VCF-style: chr13-48453071-C-T. GRCh37 (hg19) VCF-style: chr13-49027207-C-T.
Other names: c.1774C>T, p.Leu592Phe (NM_001407165.1); short protein forms L592F.
Identifiers: ClinVar variation 3943343 (VCV003943343.1).
Genomic context (GRCh38, chr13:48,453,071, plus strand): 5'-CTTATTAAACAATCAAAGGACCGAGAAGGACCAACTGATCACCTTGAATCTGCTTGTCCT[C>T]TTAATCTTCCTCTCCAGAATAATCACACTGCAGCAGATATGTAAGCAAAATATATGTTAT-3'
Protein context (NP_000312.2, residues 582-602): PTDHLESACP[Leu592Phe]NLPLQNNHTA

ClinVar aggregate classification (germline): Uncertain significance (1 of 4 stars; one submission).

Conditions:
Hereditary cancer-predisposing syndrome. Also called: Tumor predisposition; Hereditary neoplastic syndrome; Hereditary Cancer Syndrome; Neoplastic Syndromes, Hereditary. Identifiers: Orphanet 140162, MedGen C0027672, MeSH D009386, MONDO:0015356.

Submission:

Ambry Genetics
Classification: Uncertain significance for Hereditary cancer-predisposing syndrome. Last evaluated: 2025-05-29. Review status: criteria provided, single submitter. Criteria: Ambry Variant Classification Scheme 2023. Collection method: clinical testing. Allele origin: germline.
Comment: The p.L592F variant (also known as c.1774C>T), located in coding exon 18 of the RB1 gene, results from a C to T substitution at nucleotide position 1774. The leucine at codon 592 is replaced by phenylalanine, an amino acid with highly similar properties. This amino acid position is well conserved in available vertebrate species. In addition, this alteration is predicted to be tolerated by in silico analysis. Based on the available evidence, the clinical significance of this variant remains unclear.